The following is an entry in ClinVar:

ClinVar aggregate classification (germline): Pathogenic. Review status: criteria provided, single submitter (1 of 4 stars). 2 submissions from 2 submitters: Pathogenic (1). 1 of the submissions does not count toward it. Last evaluated 2025-09-21.

Conditions:
Early-infantile DEE. Also called: Early infantile epileptic encephalopathy with suppression bursts; Ohtahara syndrome; Early infantile epileptic encephalopathy. Identifiers: Orphanet 1934, MedGen C0393706, MONDO:0800491.
Seizures, benign familial neonatal, 1. Also called: Benign Neonatal Epilepsy 1; KCNQ2-Related Benign Familial Neonatal Epilepsy; KCNQ2-Related Self-Limited Familial Neonatal Epilepsy (SLFNE); Seizures, benign neonatal, 1. Identifiers: Orphanet 1949, MedGen C3149074, MONDO:0007365, OMIM 121200.

Submissions (8):

Labcorp Genetics (formerly Invitae), Labcorp
Classification: Pathogenic for Early-infantile DEE. Last evaluated: 2025-09-21. Review status: criteria provided, single submitter. Criteria: Invitae Variant Classification Sherloc (09022015). Collection method: clinical testing. Allele origin: germline.
Comment: This sequence change replaces histidine, which is basic and polar, with glutamine, which is neutral and polar, at codon 228 of the KCNQ2 protein (p.His228Gln). This variant is not present in population databases (gnomAD no frequency). This missense change has been observed in individuals with benign familial neonatal seizures (PMID: 4055306, 14534157; internal data). It has also been observed to segregate with disease in related individuals. ClinVar contains an entry for this variant (Variation ID: 21797). Invitae Evidence Modeling of protein sequence and biophysical properties (such as structural, functional, and spatial information, amino acid conservation, physicochemical variation, residue mobility, and thermodynamic stability) indicates that this missense variant is expected to disrupt KCNQ2 protein function with a positive predictive value of 95%. For these reasons, this variant has been classified as Pathogenic.

Channelopathy-Associated Epilepsy Research Center
No classification provided (evidence only). Condition: Complex neurodevelopmental disorder. Review status: no classification provided. Collection method: literature only. Allele origin: not applicable. Functional consequence: Severe decrease in peak current, Severe slowing of activation, Mild depolarizing shift of voltage dependence of activation. Not counted in ClinVar's aggregate classification.
ClinVar note: "not provided" was previously submitted as the classification for the variant. However, the classification appeared to be based only on an observation of functional data so it was converted to no classification on 2025-07-30.

Channelopathy-Associated Epilepsy Research Center
No classification provided (evidence only). Review status: no classification provided. Collection method: in vitro. Allele origin: not applicable. Functional consequence: Normal peak current. Not counted in ClinVar's aggregate classification.

Channelopathy-Associated Epilepsy Research Center
No classification provided (evidence only). Review status: no classification provided. Collection method: in vitro. Allele origin: not applicable. Functional consequence: Normal peak current. Not counted in ClinVar's aggregate classification.

Channelopathy-Associated Epilepsy Research Center
No classification provided (evidence only). Review status: no classification provided. Collection method: in vitro. Allele origin: not applicable. Functional consequence: Normal voltage dependence of activation. Not counted in ClinVar's aggregate classification.

Channelopathy-Associated Epilepsy Research Center
No classification provided (evidence only). Review status: no classification provided. Collection method: in vitro. Allele origin: not applicable. Functional consequence: Normal slope of activation. Not counted in ClinVar's aggregate classification.

Channelopathy-Associated Epilepsy Research Center
No classification provided (evidence only). Review status: no classification provided. Collection method: in vitro. Allele origin: not applicable. Functional consequence: Normal rate of activation. Not counted in ClinVar's aggregate classification.

GeneReviews
No classification provided. Condition: Seizures, benign familial neonatal, 1. Review status: no classification provided. Collection method: literature only. Allele origin: germline. Affected: yes. Not counted in ClinVar's aggregate classification.
Comment: BFNE (benign familial neonatal epilepsy)

Literature cited by the submitters: PubMed 4055306 (cited by Labcorp Genetics (formerly Invitae), Labcorp); PubMed 14534157 (cited by Labcorp Genetics (formerly Invitae), Labcorp and GeneReviews); PubMed 35104249 (cited by Channelopathy-Associated Epilepsy Research Center); NCBI Bookshelf NBK32534 (cited by GeneReviews).

NM_172107.4(KCNQ2):c.684C>A (p.His228Gln)

Gene: KCNQ2 (potassium voltage-gated channel subfamily Q member 2; minus strand). Cytogenetic location: 20q13.33.
Variant type: single nucleotide variant.
Coding change: c.684C>A on transcript NM_172107.4 (MANE Select); coding-DNA position 684, C replaced by A.
Protein change: p.His228Gln; replaces histidine 228 with glutamine.
Molecular consequence: missense variant.
Genome position (GRCh38, 1-based): chr20:63,444,665, G>T on the plus strand (C>A on the coding strand, the complement: KCNQ2 is on the minus strand). VCF-style: chr20-63444665-G-T. GRCh37 (hg19) VCF-style: chr20-62076018-G-T.
Other names: c.684C>A, p.His228Gln (NM_004518.6, NM_172106.3, NM_172108.5 and 1 more transcripts); short protein forms H228Q.
Identifiers: ClinVar variation 21797 (VCV000021797.15), dbSNP rs118192204, ClinGen allele CA342521.